The following is an entry in ClinVar:

NM_000059.4(BRCA2):c.3475T>C (p.Cys1159Arg)

Gene: BRCA2 (BRCA2 DNA repair associated; plus strand). Cytogenetic location: 13q13.1.
Variant type: single nucleotide variant.
Coding change: c.3475T>C on transcript NM_000059.4 (MANE Select); coding-DNA position 3475, T replaced by C.
Protein change: p.Cys1159Arg; replaces cysteine 1159 with arginine.
Molecular consequence: missense variant.
Genome position (GRCh38, 1-based): chr13:32,337,830, T>C. VCF-style: chr13-32337830-T-C. GRCh37 (hg19) VCF-style: chr13-32911967-T-C.
Other names: short protein forms C1159R.
Identifiers: ClinVar variation 531353 (VCV000531353.13), dbSNP rs886037814, ClinGen allele CA387776824.

ClinVar aggregate classification (germline): Conflicting classifications of pathogenicity. Review status: criteria provided, conflicting classifications (1 of 4 stars). 5 submissions from 5 submitters: Uncertain significance (3); Likely benign (2). Last evaluated 2025-03-05.

Conditions:
Breast-ovarian cancer, familial, susceptibility to, 2 (BROVCA2). Also called: BRCA2 Hereditary Breast and Ovarian Cancer. Identifiers: Orphanet 145, MedGen C2675520, MONDO:0012933, OMIM 612555. Disease mechanism: loss of function.
Hereditary breast ovarian cancer syndrome. Also called: Hereditary breast and ovarian cancer syndrome; Hereditary breast and ovarian cancer syndrome (HBOC); BRCA1- and BRCA2-Associated Hereditary Breast and Ovarian Cancer; Hereditary breast and ovarian cancer; Breast and ovarian cancer; Hereditary breast and/or ovarian cancer syndrome. Identifiers: Orphanet 145, MedGen C0677776, MeSH D061325, MONDO:0003582. Disease mechanism: loss of function.
Hereditary cancer-predisposing syndrome. Also called: Neoplastic Syndromes, Hereditary; Hereditary neoplastic syndrome; Tumor predisposition; Hereditary Cancer Syndrome. Identifiers: Orphanet 140162, MedGen C0027672, MeSH D009386, MONDO:0015356.

Submissions (5):

Ambry Genetics
Classification: Likely benign for Hereditary cancer-predisposing syndrome. Last evaluated: 2025-03-05. Review status: criteria provided, single submitter. Criteria: Ambry Variant Classification Scheme 2023. Collection method: clinical testing. Allele origin: germline.

Labcorp Genetics (formerly Invitae), Labcorp
Classification: Uncertain significance for Hereditary breast ovarian cancer syndrome. Last evaluated: 2024-08-06. Review status: criteria provided, single submitter. Criteria: Invitae Variant Classification Sherloc (09022015). Collection method: clinical testing. Allele origin: germline.
Comment: This sequence change replaces cysteine, which is neutral and slightly polar, with arginine, which is basic and polar, at codon 1159 of the BRCA2 protein (p.Cys1159Arg). This variant is not present in population databases (gnomAD no frequency). This variant has not been reported in the literature in individuals affected with BRCA2-related conditions. ClinVar contains an entry for this variant (Variation ID: 531353). Advanced modeling of protein sequence and biophysical properties (such as structural, functional, and spatial information, amino acid conservation, physicochemical variation, residue mobility, and thermodynamic stability) performed at Invitae indicates that this missense variant is not expected to disrupt BRCA2 protein function with a negative predictive value of 95%. In summary, the available evidence is currently insufficient to determine the role of this variant in disease. Therefore, it has been classified as a Variant of Uncertain Significance.

University of Washington Department of Laboratory Medicine, University of Washington
Classification: Likely benign for Hereditary cancer-predisposing syndrome. Last evaluated: 2023-03-23. Review status: criteria provided, single submitter. Criteria: Dines et al. (Genet Med. 2020). Collection method: curation. Allele origin: germline.
Comment: Missense variant in a coldspot region where missense variants are very unlikely to be pathogenic (PMID:31911673).

BRCA2 exon 11 coldspot. Reclassification based on statistical prior probability.

Color Diagnostics, LLC DBA Color Health
Classification: Uncertain significance for Hereditary cancer-predisposing syndrome. Last evaluated: 2019-12-10. Review status: criteria provided, single submitter. Criteria: ACMG Guidelines, 2015. Collection method: clinical testing. Allele origin: germline.
Comment: This missense variant replaces cysteine with arginine at codon 1159 of the BRCA2 protein. Computational prediction suggests that this variant may not impact protein structure and function (internally defined REVEL score threshold <= 0.5, PMID: 27666373). Splice site prediction tools suggest that this variant may not impact RNA splicing. To our knowledge, functional studies have not been performed for this variant. This variant has not been reported in individuals affected with hereditary cancer in the literature. This variant has not been identified in the general population by the Genome Aggregation Database (gnomAD). The available evidence is insufficient to determine the role of this variant in disease conclusively. Therefore, this variant is classified as a Variant of Uncertain Significance.

Mendelics
Classification: Uncertain significance for Breast-ovarian cancer, familial, susceptibility to, 2. Last evaluated: 2019-05-28. Review status: criteria provided, single submitter. Criteria: Mendelics Assertion Criteria 2017. Collection method: clinical testing. Allele origin: unknown.